The following is an entry in ClinVar:

ClinVar aggregate classification (germline): Uncertain significance (1 of 4 stars; one submission).

gnomAD v4.1: 41 of 1,613,776 alleles (0.0025%); highest among the groups gnomAD compares: Non-Finnish European, 0.0035%; no homozygotes.

Submission:

Labcorp Genetics (formerly Invitae), Labcorp
Classification: Uncertain significance. Last evaluated: 2022-06-15. Review status: criteria provided, single submitter. Criteria: Invitae Variant Classification Sherloc (09022015). Collection method: clinical testing. Allele origin: germline.
Comment: This sequence change replaces arginine, which is basic and polar, with leucine, which is neutral and non-polar, at codon 245 of the PCDH15 protein (p.Arg245Leu). This variant is present in population databases (rs562377533, gnomAD 0.003%). This variant has not been reported in the literature in individuals affected with PCDH15-related conditions. Algorithms developed to predict the effect of missense changes on protein structure and function are either unavailable or do not agree on the potential impact of this missense change (SIFT: "Deleterious"; PolyPhen-2: "Possibly Damaging"; Align-GVGD: "Class C0"). In summary, the available evidence is currently insufficient to determine the role of this variant in disease. Therefore, it has been classified as a Variant of Uncertain Significance.

NM_001384140.1(PCDH15):c.734G>T (p.Arg245Leu)

Gene: PCDH15 (protocadherin related 15; minus strand). Cytogenetic location: 10q21.1.
Variant type: single nucleotide variant.
Coding change: c.734G>T on transcript NM_001384140.1 (MANE Select); coding-DNA position 734, G replaced by T.
Protein change: p.Arg245Leu; replaces arginine 245 with leucine.
Molecular consequence: missense variant.
Genome position (GRCh38, 1-based): chr10:54,317,413, C>A on the plus strand (G>T on the coding strand, the complement: PCDH15 is on the minus strand). VCF-style: chr10-54317413-C-A. GRCh37 (hg19) VCF-style: chr10-56077173-C-A.
Other names: c.749G>T, p.Arg250Leu (NM_001142763.2, NM_001142769.4, NM_001142771.2); c.734G>T, p.Arg245Leu (NM_001142764.2, NM_001142765.2, NM_001142766.2 and 7 more transcripts); c.623G>T, p.Arg208Leu (NM_001142767.2); c.668G>T, p.Arg223Leu (NM_001142768.2, NM_001142773.2, NM_001354404.2); short protein forms R250L, R223L, R208L, R245L.
Identifiers: ClinVar variation 1915886 (VCV001915886.2), dbSNP rs562377533, ClinGen allele CA5506599.